The following is an entry in ClinVar:

NM_001134407.3(GRIN2A):c.1306T>C (p.Cys436Arg)

Gene: GRIN2A (glutamate ionotropic receptor NMDA type subunit 2A; minus strand). Cytogenetic location: 16p13.2.
Variant type: single nucleotide variant.
Coding change: c.1306T>C on transcript NM_001134407.3 (MANE Select); coding-DNA position 1306, T replaced by C.
Protein change: p.Cys436Arg; replaces cysteine 436 with arginine.
Molecular consequence: missense variant.
Genome position (GRCh38, 1-based): chr16:9,849,778, A>G on the plus strand (T>C on the coding strand, the complement: GRIN2A is on the minus strand). VCF-style: chr16-9849778-A-G. GRCh37 (hg19) VCF-style: chr16-9943635-A-G.
Other names: c.1306T>C, p.Cys436Arg (NM_000833.5, NM_001134408.2); c.1306T>C (NM_000833.3); short protein forms C436R.
Identifiers: ClinVar variation 433127 (VCV000433127.45), dbSNP rs1555496111, ClinGen allele CA394800960.

ClinVar aggregate classification (germline): Pathogenic/Likely pathogenic. Review status: criteria provided, multiple submitters, no conflicts (2 of 4 stars). 4 submissions from 4 submitters: Pathogenic (2); Likely pathogenic (1). 1 of the submissions does not count toward it. Last evaluated 2024-11-01.

Conditions:
Self-limited epilepsy with centrotemporal spikes. Also called: Rolandic epilepsy; Childhood epilepsy with centrotemporal spikes. Identifiers: Orphanet 1945, MedGen C0376532, MONDO:0007295.
Landau-Kleffner syndrome (FESD). Also called: EPILEPSY, FOCAL, WITH SPEECH DISORDER AND WITH OR WITHOUT MENTAL RETARDATION; APHASIA, ACQUIRED, WITH EPILEPSY. Identifiers: Orphanet 1945, Orphanet 725, Orphanet 98818, MedGen C0282512, MONDO:0009509, OMIM 245570.

Submissions (4):

GeneDx
Classification: Pathogenic. Last evaluated: 2024-11-01. Review status: criteria provided, single submitter. Criteria: GeneDx Variant Classification Process June 2021. Collection method: clinical testing. Allele origin: germline. Affected: yes.
Comment: Published functional studies demonstrate complete lack of N-methyl-D-aspartate receptor function necessary for mediating synpatic transmission (PMID: 27839871, 28242877); Not observed at significant frequency in large population cohorts (gnomAD); In silico analysis supports that this missense variant has a deleterious effect on protein structure/function; This variant is associated with the following publications: (PMID: 27818011, 32712275, 23933819, 27839871, 29358611, 37385334, 34726335, 37369021, 33823469, 28242877)

CeGaT Center for Human Genetics Tuebingen
Classification: Pathogenic. Last evaluated: 2019-01-01. Review status: criteria provided, single submitter. Criteria: CeGaT Center For Human Genetics Tuebingen Variant Classification Criteria Version 2. Collection method: clinical testing. Allele origin: germline. Affected: yes. Observed: 1 variant allele.

Institute of Human Genetics, University of Leipzig Medical Center
Classification: Likely pathogenic for Landau-Kleffner syndrome. Last evaluated: 2019-01-01. Review status: criteria provided, single submitter. Criteria: ACMG Guidelines, 2015. Collection method: research. Allele origin: de novo. Affected: yes.

Bioinformatics Core, Luxembourg Center for Systems Biomedicine
Classification: Pathogenic for Self-limited epilepsy with centrotemporal spikes. Last evaluated: 2017-01-01. Review status: no assertion criteria provided. Collection method: case-control. Allele origin: germline. Affected: yes. Study: EUROEPINOMICS COGIE. Not counted in ClinVar's aggregate classification.

Literature cited by the submitters: PubMed 30544257 (cited by Institute of Human Genetics, University of Leipzig Medical Center); PubMed 29358611 (cited by Bioinformatics Core, Luxembourg Center for Systems Biomedicine).